The following is an entry in ClinVar:

NM_033305.3(VPS13A):c.5802A>G (p.Leu1934=)

Gene: VPS13A (vacuolar protein sorting 13 homolog A; plus strand). Cytogenetic location: 9q21.2.
Variant type: single nucleotide variant.
Coding change: c.5802A>G on transcript NM_033305.3 (MANE Select); coding-DNA position 5802, A replaced by G.
Protein change: p.Leu1934=; no amino-acid change (leucine 1934 retained).
Molecular consequence: synonymous variant.
Genome position (GRCh38, 1-based): chr9:77,321,718, A>G. VCF-style: chr9-77321718-A-G. GRCh37 (hg19) VCF-style: chr9-79936634-A-G.
Other names: c.5685A>G, p.Leu1895= (NM_001018037.2); c.5802A>G, p.Leu1934= (NM_001018038.3, NM_015186.4).
Identifiers: ClinVar variation 367394 (VCV000367394.21), dbSNP rs73654012, ClinGen allele CA5092852.

ClinVar aggregate classification (germline): Benign/Likely benign. Review status: criteria provided, multiple submitters, no conflicts (2 of 4 stars). 5 submissions from 5 submitters: Benign (2); Likely benign (2). 1 of the submissions does not count toward it. Last evaluated 2026-02-04.

Conditions:
VPS13A-related neurodegenerative disease. Also called: Choreoacanthocytosis; Chorea-acanthocytosis; LEVINE-CRITCHLEY SYNDROME; Choreaacanthocytosis; ACANTHOCYTOSIS WITH NEUROLOGIC DISORDER; VPS13A Disease. Identifiers: Orphanet 2388, MedGen C0393576, MONDO:0008695, OMIM 200150.

Allele frequency attached by ClinVar (database versions not stated): 1000 Genomes Project 0.01258; gnomAD 0.01259 and 0.01345; ESP Exome Variant Server 0.01346; TOPMed 0.01355; 1000 Genomes Project 30x 0.01562.
gnomAD v4.1: 3,500 of 1,613,250 alleles (0.22%); highest among the groups gnomAD compares: African/African-American, 4.2%; 63 homozygotes.

Submissions (5):

Labcorp Genetics (formerly Invitae), Labcorp
Classification: Benign. Last evaluated: 2026-02-04. Review status: criteria provided, single submitter. Criteria: Invitae Variant Classification Sherloc (09022015). Collection method: clinical testing. Allele origin: germline.

GeneDx
Classification: Likely benign. Last evaluated: 2021-10-04. Review status: criteria provided, single submitter. Criteria: GeneDx Variant Classification Process June 2021. Collection method: clinical testing. Allele origin: germline. Affected: yes.

Illumina Laboratory Services, Illumina
Classification: Benign for VPS13A-related neurodegenerative disease. Last evaluated: 2018-01-13. Review status: criteria provided, single submitter. Criteria: ICSL Variant Classification Criteria 13 December 2019. Collection method: clinical testing. Allele origin: germline.
Comment: This variant was observed in the ICSL laboratory as part of a predisposition screen in an ostensibly healthy population. It had not been previously curated by ICSL or reported in the Human Gene Mutation Database (HGMD: prior to June 1st, 2018), and was therefore a candidate for classification through an automated scoring system. Utilizing variant allele frequency, disease prevalence and penetrance estimates, and inheritance mode, an automated score was calculated to assess if this variant is too frequent to cause the disease. Based on the score and internal cut-off values, a variant classified as benign is not then subjected to further curation. The score for this variant resulted in a classification of benign for this disease.

Breakthrough Genomics
Classification: Likely benign. Review status: criteria provided, single submitter. Criteria: ACMG Guidelines, 2015. Collection method: not provided. Allele origin: germline. Inheritance: Autosomal recessive inheritance. Affected: yes.

Natera, Inc.
Classification: Benign for Choreaacanthocytosis. Last evaluated: 2020-09-16. Review status: no assertion criteria provided. Collection method: clinical testing. Allele origin: germline. Not counted in ClinVar's aggregate classification.